The following is an entry in ClinVar:

NM_003995.4(NPR2):c.482A>G (p.Asn161Ser)

Gene: NPR2 (natriuretic peptide receptor 2; plus strand). Cytogenetic location: 9p13.3.
Variant type: single nucleotide variant.
Coding change: c.482A>G on transcript NM_003995.4 (MANE Select); coding-DNA position 482, A replaced by G.
Protein change: p.Asn161Ser; replaces asparagine 161 with serine.
Molecular consequence: missense variant.
Genome position (GRCh38, 1-based): chr9:35,792,890, A>G. VCF-style: chr9-35792890-A-G. GRCh37 (hg19) VCF-style: chr9-35792887-A-G.
Other names: c.482A>G, p.Asn161Ser (NM_001378923.1); c.482A>G (NM_003995.3); short protein forms N161S.
Identifiers: ClinVar variation 2078408 (VCV002078408.6), dbSNP rs202085166, ClinGen allele CA5051453.
Genomic context (GRCh38, chr9:35,792,890, plus strand): 5'-GCACTGGCCCCTCTGCTCCCAAGCTGGGTGAGTTTGTGGTGACACTACACGGGCACTTCA[A>G]TTGGACTGCCCGTGCTGCCTTGCTGTACCTGGATGCTCGCACAGATGACCGGCCTCACTA-3'
Protein context (NP_003986.2, residues 151-171): EFVVTLHGHF[Asn161Ser]WTARAALLYL

ClinVar aggregate classification (germline): Uncertain significance. Review status: criteria provided, multiple submitters, no conflicts (2 of 4 stars). 3 submissions from 3 submitters: Uncertain significance (3). Last evaluated 2024-02-13.

Conditions:
Acromesomelic dysplasia 1, Maroteaux type (AMD1). Also called: ACROMESOMELIC DYSPLASIA 1; ST. HELENA DYSPLASIA. Identifiers: Orphanet 40, MedGen C1864356, MONDO:0011275, OMIM 602875.
Tall stature-scoliosis-macrodactyly of the great toes syndrome. Also called: Epiphyseal chondrodysplasia, miura type. Identifiers: Orphanet 329191, MedGen C4014690, MONDO:0014401, OMIM 615923.
Inborn genetic diseases. Identifiers: MedGen C0950123, MeSH D030342.

Allele frequency attached by ClinVar (database versions not stated): ExAC 0.00002; TOPMed 0.00002; gnomAD 0.00003.

Submissions (3):

Ambry Genetics
Classification: Uncertain significance for Inborn genetic diseases. Last evaluated: 2024-02-13. Review status: criteria provided, single submitter. Criteria: Ambry Variant Classification Scheme 2023. Collection method: clinical testing. Allele origin: germline.

Women's Health and Genetics/Laboratory Corporation of America, LabCorp
Classification: Uncertain significance. Last evaluated: 2023-11-07. Review status: criteria provided, single submitter. Criteria: LabCorp Variant Classification Summary - May 2015. Collection method: clinical testing. Allele origin: germline.
Comment: Variant summary: NPR2 c.482A>G (p.Asn161Ser) results in a conservative amino acid change located in the Receptor, ligand binding region (IPR001828) of the encoded protein sequence. Four of five in-silico tools predict a benign effect of the variant on protein function. The variant allele was found at a frequency of 1.6e-05 in 251444 control chromosomes. The available data on variant occurrences in the general population are insufficient to allow any conclusion about variant significance. To our knowledge, no occurrence of c.482A>G in individuals affected with NPR2-Related Disorders and no experimental evidence demonstrating its impact on protein function have been reported. One submitter has cited clinical-significance assessments for this variant to ClinVar after 2014 and has classified the variant as uncertain significance. Based on the evidence outlined above, the variant was classified as uncertain significance.

Labcorp Genetics (formerly Invitae), Labcorp
Classification: Uncertain significance for Tall stature-scoliosis-macrodactyly of the great toes syndrome; Acromesomelic dysplasia 1, Maroteaux type. Last evaluated: 2022-06-28. Review status: criteria provided, single submitter. Criteria: Invitae Variant Classification Sherloc (09022015). Collection method: clinical testing. Allele origin: germline.
Comment: Algorithms developed to predict the effect of missense changes on protein structure and function are either unavailable or do not agree on the potential impact of this missense change (SIFT: "Deleterious"; PolyPhen-2: "Benign"; Align-GVGD: "Class C45"). In summary, the available evidence is currently insufficient to determine the role of this variant in disease. Therefore, it has been classified as a Variant of Uncertain Significance. This variant has not been reported in the literature in individuals affected with NPR2-related conditions. This variant is present in population databases (rs202085166, gnomAD 0.01%). This sequence change replaces asparagine, which is neutral and polar, with serine, which is neutral and polar, at codon 161 of the NPR2 protein (p.Asn161Ser).